The following is an entry in ClinVar:

ClinVar aggregate classification (germline): Uncertain significance (1 of 4 stars; one submission).

Conditions:
Inborn genetic diseases. Identifiers: MedGen C0950123, MeSH D030342.

gnomAD v4.1: 2 of 1,614,210 alleles (0.00012%); highest among the groups gnomAD compares: Non-Finnish European, 0.00017%; no homozygotes.

Submission:

Ambry Genetics
Classification: Uncertain significance for Inborn genetic diseases. Last evaluated: 2025-02-15. Review status: criteria provided, single submitter. Criteria: Ambry Variant Classification Scheme 2023. Collection method: clinical testing. Allele origin: germline.
Comment: The p.Q1032E variant (also known as c.3094C>G), located in coding exon 32 of the FANCA gene, results from a C to G substitution at nucleotide position 3094. The glutamine at codon 1032 is replaced by glutamic acid, an amino acid with highly similar properties. This amino acid position is conserved. In addition, this alteration is predicted to be tolerated by in silico analysis. Based on the available evidence, the clinical significance of this variant remains unclear.

NM_000135.4(FANCA):c.3094C>G (p.Gln1032Glu)

Gene: FANCA (FA complementation group A; minus strand). Cytogenetic location: 16q24.3.
Variant type: single nucleotide variant.
Coding change: c.3094C>G on transcript NM_000135.4 (MANE Select); coding-DNA position 3094, C replaced by G.
Protein change: p.Gln1032Glu; replaces glutamine 1032 with glutamic acid.
Molecular consequence: missense variant.
Genome position (GRCh38, 1-based): chr16:89,749,875, G>C on the plus strand (C>G on the coding strand, the complement: FANCA is on the minus strand). VCF-style: chr16-89749875-G-C. GRCh37 (hg19) VCF-style: chr16-89816283-G-C.
Other names: c.3094C>G, p.Gln1032Glu (NM_001286167.3); short protein forms Q1032E.
Identifiers: ClinVar variation 3848243 (VCV003848243.1).